The following is an entry in ClinVar:

NM_001386298.1(CIC):c.2308G>T (p.Ala770Ser)

Gene: CIC (capicua transcriptional repressor; plus strand). Cytogenetic location: 19q13.2.
Variant type: single nucleotide variant.
Coding change: c.2308G>T on transcript NM_001386298.1 (MANE Select); coding-DNA position 2308, G replaced by T.
Protein change: p.Ala770Ser; replaces alanine 770 with serine.
Molecular consequence: missense variant.
Genome position (GRCh38, 1-based): chr19:42,274,091, G>T. VCF-style: chr19-42274091-G-T. GRCh37 (hg19) VCF-style: chr19-42778243-G-T.
Other names: c.2308G>T, p.Ala770Ser (NM_001304815.2, NM_001379480.1, NM_001379482.1 and 1 more transcripts); short protein forms A770S.
Identifiers: ClinVar variation 2649967 (VCV002649967.24), dbSNP rs2513611892, ClinGen allele CA406089144.
Genomic context (GRCh38, chr19:42,274,091, plus strand): 5'-GACTCAGTGTCCCACACACCTACACCCTCCACGCCGGCTGGCTTCCGGGCCGTGTCCCCT[G>T]CTGTGCCCTTCTCTCGCTCCCGCCAGCCCTCACCATTGCTGCTGTTGCCACCCCCTGCCG-3'
Protein context (NP_001373227.1, residues 760-780): TPAGFRAVSP[Ala770Ser]VPFSRSRQPS

ClinVar aggregate classification (germline): Uncertain significance (1 of 4 stars; one submission).

Submission:

CeGaT Center for Human Genetics Tuebingen
Classification: Uncertain significance. Last evaluated: 2022-08-01. Review status: criteria provided, single submitter. Criteria: CeGaT Center For Human Genetics Tuebingen Variant Classification Criteria Version 2. Collection method: clinical testing. Allele origin: germline. Affected: yes. Observed: 1 variant allele.
Comment: CIC: PM2